The following is an entry in ClinVar:

NM_177972.3(TUB):c.568A>G (p.Ile190Val)

Genes: RIC3 (RIC3 acetylcholine receptor chaperone; minus strand), TUB (TUB bipartite transcription factor; plus strand). Cytogenetic location: 11p15.4.
Variant type: single nucleotide variant.
Coding change: c.568A>G on transcript NM_177972.3 (MANE Select); coding-DNA position 568, A replaced by G.
Protein change: p.Ile190Val; replaces isoleucine 190 with valine.
Molecular consequence: missense variant.
Genome position (GRCh38, 1-based): chr11:8,096,687, A>G. VCF-style: chr11-8096687-A-G. GRCh37 (hg19) VCF-style: chr11-8118234-A-G.
Other names: c.733A>G, p.Ile245Val (NM_003320.5); short protein forms I190V, I245V.
Identifiers: ClinVar variation 2634487 (VCV002634487.4), dbSNP rs745495516, ClinGen allele CA5871154.

ClinVar aggregate classification (germline): Uncertain significance. Review status: criteria provided, single submitter (1 of 4 stars). 2 submissions from 2 submitters: Uncertain significance (1). 1 of the submissions does not count toward it. Last evaluated 2025-08-26.

Conditions:
TUB-related disorder. Also called: TUB-related condition.

Allele frequency attached by ClinVar (database versions not stated): gnomAD exomes below 0.00001; ExAC 0.00001; gnomAD 0.00001.
gnomAD v4.1: 5 of 1,600,048 alleles (0.00031%); highest among the groups gnomAD compares: African/African-American, 0.0067%; no homozygotes.

Submissions (2):

Ambry Genetics
Classification: Uncertain significance. Last evaluated: 2025-08-26. Review status: criteria provided, single submitter. Criteria: Ambry Variant Classification Scheme 2023. Collection method: clinical testing. Allele origin: germline.

PreventionGenetics, part of Exact Sciences
Classification: Uncertain significance for TUB-related condition. Last evaluated: 2024-05-06. Review status: no assertion criteria provided. Collection method: clinical testing. Allele origin: germline. Not counted in ClinVar's aggregate classification.
Comment: The TUB c.733A>G variant is predicted to result in the amino acid substitution p.Ile245Val. To our knowledge, this variant has not been reported in the literature. This variant is reported in 0.012% of alleles in individuals of African descent in gnomAD. At this time, the clinical significance of this variant is uncertain due to the absence of conclusive functional and genetic evidence.